The following is an entry in ClinVar:

ClinVar aggregate classification (germline): Conflicting classifications of pathogenicity. Review status: criteria provided, conflicting classifications (1 of 4 stars). 2 submissions from 2 submitters: Uncertain significance (1); Likely benign (1). Last evaluated 2022-07-06.

Conditions:
Inborn genetic diseases. Identifiers: MedGen C0950123, MeSH D030342.
Mosaic variegated aneuploidy syndrome 1 (MVA1). Also called: Warburton-Anyane-Yeboa syndrome. Identifiers: Orphanet 1052, MedGen C1850343, MONDO:0009759, OMIM 257300.

Allele frequency attached by ClinVar (database versions not stated): gnomAD exomes below 0.00001; gnomAD 0.00001; TOPMed 0.00001.
gnomAD v4.1: 6 of 1,611,604 alleles (0.00037%); highest among the groups gnomAD compares: Middle Eastern, 0.033%; no homozygotes.

Submissions (2):

Labcorp Genetics (formerly Invitae), Labcorp
Classification: Uncertain significance for Mosaic variegated aneuploidy syndrome 1. Last evaluated: 2022-07-06. Review status: criteria provided, single submitter. Criteria: Invitae Variant Classification Sherloc (09022015). Collection method: clinical testing. Allele origin: germline.
Comment: In summary, the available evidence is currently insufficient to determine the role of this variant in disease. Therefore, it has been classified as a Variant of Uncertain Significance. Algorithms developed to predict the effect of missense changes on protein structure and function output the following: SIFT: "Tolerated"; PolyPhen-2: "Benign"; Align-GVGD: "Class C0". The glutamine amino acid residue is found in multiple mammalian species, which suggests that this missense change does not adversely affect protein function. ClinVar contains an entry for this variant (Variation ID: 1436353). This variant has not been reported in the literature in individuals affected with BUB1B-related conditions. This variant is present in population databases (no rsID available, gnomAD no frequency). This sequence change replaces arginine, which is basic and polar, with glutamine, which is neutral and polar, at codon 770 of the BUB1B protein (p.Arg770Gln).

Ambry Genetics
Classification: Likely benign for Inborn genetic diseases. Last evaluated: 2021-06-30. Review status: criteria provided, single submitter. Criteria: Ambry Variant Classification Scheme 2023. Collection method: clinical testing. Allele origin: germline.

NM_001211.6(BUB1B):c.2309G>A (p.Arg770Gln)

Gene: BUB1B (BUB1 mitotic checkpoint serine/threonine kinase B; plus strand). Cytogenetic location: 15q15.1.
Variant type: single nucleotide variant.
Coding change: c.2309G>A on transcript NM_001211.6 (MANE Select); coding-DNA position 2309, G replaced by A.
Protein change: p.Arg770Gln; replaces arginine 770 with glutamine.
Molecular consequence: missense variant.
Genome position (GRCh38, 1-based): chr15:40,210,134, G>A. VCF-style: chr15-40210134-G-A. GRCh37 (hg19) VCF-style: chr15-40502335-G-A.
Other names: short protein forms R770Q.
Identifiers: ClinVar variation 1436353 (VCV001436353.10), dbSNP rs1422532977, ClinGen allele CA391694860.